The following is an entry in ClinVar:

ClinVar aggregate classification (germline): Benign (0 of 4 stars; one submission).

Conditions:
MXRA8-related disorder. Also called: MXRA8-related condition.

Allele frequency attached by ClinVar (database versions not stated): gnomAD 0.00040; TOPMed 0.00042; ExAC 0.00076; 1000 Genomes Project 0.00080; 1000 Genomes Project 30x 0.00094.
gnomAD v4.1: 415 of 1,612,250 alleles (0.026%); highest among the groups gnomAD compares: East Asian, 0.42%; 3 homozygotes.

Submission:

PreventionGenetics, part of Exact Sciences
Classification: Benign for MXRA8-related condition. Last evaluated: 2019-12-18. Review status: no assertion criteria provided. Collection method: clinical testing. Allele origin: germline.
Comment: This variant is classified as benign based on ACMG/AMP sequence variant interpretation guidelines (Richards et al. 2015 PMID: 25741868, with internal and published modifications).

NM_032348.4(MXRA8):c.976G>T (p.Val326Phe)

Gene: MXRA8 (matrix remodeling associated 8; minus strand). Cytogenetic location: 1p36.33.
Variant type: single nucleotide variant.
Coding change: c.976G>T on transcript NM_032348.4 (MANE Select); coding-DNA position 976, G replaced by T.
Protein change: p.Val326Phe; replaces valine 326 with phenylalanine.
Molecular consequence: missense variant.
Genome position (GRCh38, 1-based): chr1:1,354,483, C>A on the plus strand (G>T on the coding strand, the complement: MXRA8 is on the minus strand). VCF-style: chr1-1354483-C-A. GRCh37 (hg19) VCF-style: chr1-1289863-C-A.
Other names: c.976G>T, p.Val326Phe (NM_001282582.2, NM_001282585.1); c.949G>T, p.Val317Phe (NM_001282583.2); c.673G>T, p.Val225Phe (NM_001282584.2); short protein forms V225F, V317F, V326F.
Identifiers: ClinVar variation 3049275 (VCV003049275.2), dbSNP rs141809370, ClinGen allele CA521135.